The following is an entry in ClinVar:

ClinVar aggregate classification (germline): Uncertain significance (1 of 4 stars; one submission).

Conditions:
Familial hypocalciuric hypercalcemia (FHH). Also called: Familial benign hypercalcemia. Identifiers: Orphanet 405, MedGen C1809471, MONDO:0018458.
Autosomal dominant hypocalcemia 1 (HYPOC1). Also called: HYPOCALCEMIA, FAMILIAL. Identifiers: MedGen C3715128, MONDO:0011013, OMIM 601198.

Submission:

Labcorp Genetics (formerly Invitae), Labcorp
Classification: Uncertain significance for Familial hypocalciuric hypercalcemia; Autosomal dominant hypocalcemia 1. Last evaluated: 2021-06-20. Review status: criteria provided, single submitter. Criteria: Invitae Variant Classification Sherloc (09022015). Collection method: clinical testing. Allele origin: germline.
Comment: This sequence change replaces glycine with cysteine at codon 210 of the CASR protein (p.Gly210Cys). The glycine residue is highly conserved and there is a large physicochemical difference between glycine and cysteine. This variant is not present in population databases (ExAC no frequency). This variant has not been reported in the literature in individuals with CASR-related conditions. Algorithms developed to predict the effect of missense changes on protein structure and function are either unavailable or do not agree on the potential impact of this missense change (SIFT: "Tolerated"; PolyPhen-2: "Probably Damaging"; Align-GVGD: "Class C15"). In summary, the available evidence is currently insufficient to determine the role of this variant in disease. Therefore, it has been classified as a Variant of Uncertain Significance.

NM_000388.4(CASR):c.628G>T (p.Gly210Cys)

Gene: CASR (calcium sensing receptor; plus strand). Cytogenetic location: 3q21.1.
Variant type: single nucleotide variant.
Coding change: c.628G>T on transcript NM_000388.4 (MANE Select); coding-DNA position 628, G replaced by T.
Protein change: p.Gly210Cys; replaces glycine 210 with cysteine.
Molecular consequence: missense variant.
Genome position (GRCh38, 1-based): chr3:122,261,663, G>T. VCF-style: chr3-122261663-G-T. GRCh37 (hg19) VCF-style: chr3-121980510-G-T.
Other names: c.628G>T, p.Gly210Cys (NM_001178065.2); short protein forms G210C.
Identifiers: ClinVar variation 1435901 (VCV001435901.8), dbSNP rs2107631971, ClinGen allele CA354151004.
Genomic context (GRCh38, chr3:122,261,663, plus strand): 5'-GATGAGCACCAGGCCACTGCCATGGCAGACATCATCGAGTATTTCCGCTGGAACTGGGTG[G>T]GCACAATTGCAGCTGATGACGACTATGGGCGGCCGGGGATTGAGAAATTCCGAGAGGAAG-3'
Protein context (NP_000379.3, residues 200-220): IIEYFRWNWV[Gly210Cys]TIAADDDYGR